The following is an entry in ClinVar:

NM_001384732.1(CPLANE1):c.2822C>G (p.Ser941Cys)

Gene: CPLANE1 (ciliogenesis and planar polarity effector complex subunit 1; minus strand). Cytogenetic location: 5p13.2.
Variant type: single nucleotide variant.
Coding change: c.2822C>G on transcript NM_001384732.1 (MANE Select); coding-DNA position 2822, C replaced by G.
Protein change: p.Ser941Cys; replaces serine 941 with cysteine.
Molecular consequence: missense variant.
Genome position (GRCh38, 1-based): chr5:37,213,657, G>C on the plus strand (C>G on the coding strand, the complement: CPLANE1 is on the minus strand). VCF-style: chr5-37213657-G-C. GRCh37 (hg19) VCF-style: chr5-37213759-G-C.
Other names: c.2822C>G, p.Ser941Cys (NM_023073.4); short protein forms S941C.
Identifiers: ClinVar variation 2037185 (VCV002037185.1), dbSNP rs1369179543, ClinGen allele CA359484183.

ClinVar aggregate classification (germline): Uncertain significance (1 of 4 stars; one submission).

Allele frequency attached by ClinVar (database versions not stated): TOPMed 0.00001.

Submission:

Labcorp Genetics (formerly Invitae), Labcorp
Classification: Uncertain significance. Last evaluated: 2022-08-21. Review status: criteria provided, single submitter. Criteria: Invitae Variant Classification Sherloc (09022015). Collection method: clinical testing. Allele origin: germline.
Comment: This sequence change replaces serine, which is neutral and polar, with cysteine, which is neutral and slightly polar, at codon 941 of the CPLANE1 protein (p.Ser941Cys). This variant is not present in population databases (gnomAD no frequency). This variant has not been reported in the literature in individuals affected with CPLANE1-related conditions. Advanced modeling of protein sequence and biophysical properties (such as structural, functional, and spatial information, amino acid conservation, physicochemical variation, residue mobility, and thermodynamic stability) performed at Invitae indicates that this missense variant is not expected to disrupt CPLANE1 protein function. In summary, the available evidence is currently insufficient to determine the role of this variant in disease. Therefore, it has been classified as a Variant of Uncertain Significance.